The following is an entry in ClinVar:

NM_017763.6(RNF43):c.1171C>T (p.Pro391Ser)

Gene: RNF43 (ring finger protein 43; minus strand). Cytogenetic location: 17q22.
Variant type: single nucleotide variant.
Coding change: c.1171C>T on transcript NM_017763.6 (MANE Select); coding-DNA position 1171, C replaced by T.
Protein change: p.Pro391Ser; replaces proline 391 with serine.
Molecular consequence: missense variant.
Genome position (GRCh38, 1-based): chr17:58,358,605, G>A on the plus strand (C>T on the coding strand, the complement: RNF43 is on the minus strand). VCF-style: chr17-58358605-G-A. GRCh37 (hg19) VCF-style: chr17-56435966-G-A.
Other names: c.790C>T, p.Pro264Ser (NM_001305545.2); c.1171C>T, p.Pro391Ser (NM_001305544.3); short protein forms P391S, P264S.
Identifiers: ClinVar variation 1042855 (VCV001042855.11), dbSNP rs758746256, ClinGen allele CA8673223.
Genomic context (GRCh38, chr17:58,358,605, plus strand): 5'-GGTGCTGGGCTCCTGCCAGGCGCTGCTGCTCTCCTGGAGCCCGGGGATGTGCAGCTCTGG[G>A]GAAGCGGTGATGCCGAGGGCCCATGCCTGGCTCCTGGGATGGCAGGAAGGGACCAGGTCG-3'
Protein context (NP_060233.3, residues 381-401): PGMGPRHHRF[Pro391Ser]RAAHPRAPGE

ClinVar aggregate classification (germline): Conflicting classifications of pathogenicity. Review status: criteria provided, conflicting classifications (1 of 4 stars). 4 submissions from 4 submitters: Uncertain significance (3); Likely benign (1). Last evaluated 2025-09-29.

Conditions:
Sessile serrated polyposis cancer syndrome (SSPCS). Identifiers: Orphanet 157798, MedGen C4310714, MONDO:0014919, OMIM 617108.

Allele frequency attached by ClinVar (database versions not stated): gnomAD 0.00001; TOPMed 0.00002; ExAC 0.00008.
gnomAD v4.1: 28 of 1,575,194 alleles (0.0018%); highest among the groups gnomAD compares: Non-Finnish European, 0.0023%; no homozygotes.

Submissions (4):

Labcorp Genetics (formerly Invitae), Labcorp
Classification: Uncertain significance. Last evaluated: 2025-09-29. Review status: criteria provided, single submitter. Criteria: Invitae Variant Classification Sherloc (09022015). Collection method: clinical testing. Allele origin: germline.
Comment: This sequence change replaces proline, which is neutral and non-polar, with serine, which is neutral and polar, at codon 391 of the RNF43 protein (p.Pro391Ser). The frequency data for this variant in the population databases is considered unreliable, as metrics indicate poor data quality at this position in the gnomAD database. This variant has not been reported in the literature in individuals affected with RNF43-related conditions. ClinVar contains an entry for this variant (Variation ID: 1042855). An algorithm developed to predict the effect of missense changes on protein structure and function outputs the following: PolyPhen-2: "Benign". The serine amino acid residue is found in multiple mammalian species, which suggests that this missense change does not adversely affect protein function. In summary, the available evidence is currently insufficient to determine the role of this variant in disease. Therefore, it has been classified as a Variant of Uncertain Significance.

Ambry Genetics
Classification: Likely benign. Last evaluated: 2025-04-13. Review status: criteria provided, single submitter. Criteria: Ambry Variant Classification Scheme 2023. Collection method: clinical testing. Allele origin: germline.

Baylor Genetics
Classification: Uncertain significance for Sessile serrated polyposis cancer syndrome. Last evaluated: 2024-01-08. Review status: criteria provided, single submitter. Criteria: ACMG Guidelines, 2015. Collection method: clinical testing. Allele origin: unknown.

Institute for Clinical Genetics, University Hospital TU Dresden, University Hospital TU Dresden
Classification: Uncertain significance. Last evaluated: 2021-11-03. Review status: criteria provided, single submitter. Criteria: ACMG Guidelines, 2015. Collection method: clinical testing. Allele origin: germline.